The following is an entry in ClinVar:

ClinVar aggregate classification (germline): Pathogenic (1 of 4 stars; one submission).

Conditions:
Autosomal recessive limb-girdle muscular dystrophy. Identifiers: Orphanet 102015, MedGen C2931907, MONDO:0015152.

Submission:

Myriad Genetics, Inc.
Classification: Pathogenic for Autosomal recessive limb-girdle muscular dystrophy. Last evaluated: 2023-09-27. Review status: criteria provided, single submitter. Criteria: Myriad Autosomal Dominant, Autosomal Recessive and X-Linked Classification Criteria (2023). Collection method: clinical testing. Allele origin: unknown.
Comment: NM_003494.3(DYSF):c.1138dupC(H380Pfs*32) is expected to be pathogenic in the context of dysferlinopathy. This variant is predicted to lead to an abnormal or absent protein product due to the creation of a premature termination codon in DYSF, a gene where loss-of-function variants are known to be pathogenic. Please note: this variant was assessed in the context of healthy population screening.

NM_001130987.2(DYSF):c.1234dup (p.His412fs)

Gene: DYSF (dysferlin; plus strand). Cytogenetic location: 2p13.2.
Variant type: Duplication.
Coding change: c.1234dup on transcript NM_001130987.2 (MANE Select); coding-DNA position 1234, one base duplicated (C; older notation c.1234dupC).
Protein change: p.His412fs; shifts the reading frame from histidine 412.
Molecular consequence: frameshift variant.
Genome position (GRCh38, 1-based): chr2:71,526,304, C duplicated; the last of 3 consecutive C bases (chr2:71,526,302-71,526,304); duplicating any one gives the same sequence. VCF-style (leftmost placement, unchanged base first): chr2-71526301-G-GC. GRCh37 (hg19) VCF-style: chr2-71753431-G-GC.
Other names: c.1141dup, p.His381fs (NM_001130455.2, NM_001130983.2, NM_001130984.2 and 1 more transcripts); c.1138dup, p.His380fs (NM_001130976.2, NM_001130977.2, NM_001130978.2 and 1 more transcripts); c.1231dup, p.His411fs (NM_001130979.2, NM_001130980.2, NM_001130981.2); c.1234dup, p.His412fs (NM_001130982.2, NM_001130985.2); short protein forms H380fs, H381fs, H411fs, H412fs.
Identifiers: ClinVar variation 5012109 (VCV005012109.1).